The following is an entry in ClinVar:

NM_001040142.2(SCN2A):c.644C>A (p.Ala215Glu)

Gene: SCN2A (sodium voltage-gated channel alpha subunit 2; plus strand). Cytogenetic location: 2q24.3.
Variant type: single nucleotide variant.
Coding change: c.644C>A on transcript NM_001040142.2 (MANE Select); coding-DNA position 644, C replaced by A.
Protein change: p.Ala215Glu; replaces alanine 215 with glutamic acid.
Molecular consequence: missense variant. On other transcripts: intron variant (2).
Genome position (GRCh38, 1-based): chr2:165,309,390, C>A. VCF-style: chr2-165309390-C-A. GRCh37 (hg19) VCF-style: chr2-166165900-C-A.
Other names: c.644C>A, p.Ala215Glu (NM_001371247.1, NM_021007.3); c.697+134C>A (NM_001040143.2, NM_001371246.1); short protein forms A215E.
Identifiers: ClinVar variation 1690637 (VCV001690637.2), dbSNP rs149024364, ClinGen allele CA349017437.

ClinVar aggregate classification (germline): Likely pathogenic (1 of 4 stars; one submission).

Submission:

Laboratorio de Genetica e Diagnostico Molecular, Hospital Israelita Albert Einstein
Classification: Likely pathogenic. Last evaluated: 2021-05-24. Review status: criteria provided, single submitter. Criteria: ACMG Guidelines, 2015. Collection method: clinical testing. Allele origin: germline. Affected: yes.
Comment: ACMG classification criteria: PM2, PM5, PP2, PP3